The following is an entry in ClinVar:

NM_000219.6(KCNE1):c.-13C>T

Gene: KCNE1 (potassium voltage-gated channel subfamily E regulatory subunit 1; minus strand). Cytogenetic location: 21q22.12.
Variant type: single nucleotide variant.
Coding change: c.-13C>T on transcript NM_000219.6 (MANE Select); 13 bases upstream of the start codon, C replaced by T.
Molecular consequence: 5 prime UTR variant.
Genome position (GRCh38, 1-based): chr21:34,449,647, G>A on the plus strand (C>T on the coding strand, the complement: KCNE1 is on the minus strand). VCF-style: chr21-34449647-G-A. GRCh37 (hg19) VCF-style: chr21-35821945-G-A.
Other names: c.-13C>T (NM_001127668.4, NM_001127669.4, NM_001127670.4 and 4 more transcripts).
Identifiers: ClinVar variation 339773 (VCV000339773.9), dbSNP rs745925445, ClinGen allele CA10650396.

ClinVar aggregate classification (germline): Uncertain significance. Review status: criteria provided, multiple submitters, no conflicts (2 of 4 stars). 3 submissions from 2 submitters: Uncertain significance (3). Last evaluated 2018-01-13.

Conditions:
Long QT syndrome 5 (LQT5). Identifiers: Orphanet 101016, Orphanet 768, MedGen C1867904, MONDO:0013372, OMIM 613695.
Jervell and Lange-Nielsen syndrome 2 (JLNS2). Identifiers: Orphanet 768, Orphanet 90647, MedGen C2676723, MONDO:0012871, OMIM 612347.

Allele frequency attached by ClinVar (database versions not stated): ExAC 0.00002; gnomAD exomes 0.00002; gnomAD 0.00003.

Submissions (3):

Illumina Laboratory Services, Illumina
Classification: Uncertain significance for Long QT syndrome 5. Last evaluated: 2018-01-13. Review status: criteria provided, single submitter. Criteria: ICSL Variant Classification Criteria 13 December 2019. Collection method: clinical testing. Allele origin: germline.

Illumina Laboratory Services, Illumina
Classification: Uncertain significance for Jervell and Lange-Nielsen syndrome 2. Last evaluated: 2018-01-13. Review status: criteria provided, single submitter. Criteria: ICSL Variant Classification Criteria 13 December 2019. Collection method: clinical testing. Allele origin: germline.

Laboratory for Molecular Medicine, Mass General Brigham Personalized Medicine
Classification: Uncertain significance. Last evaluated: 2016-06-09. Review status: criteria provided, single submitter. Criteria: LMM Criteria. Collection method: clinical testing. Allele origin: germline. Observed: 1 variant allele.
Comment: The c.-13C>T variant in KCNE1 has not been previously reported in individuals wi th hearing loss but has been identified in 1/11466 Latino chromosomes by the Exo me Aggregation Consortium (ExAC; dbSNP rs7459254 45). This variant is in the 5'UTR of KCNE1; however, its effect on translation i s unknown. In summary the clinical significance of the c.-13C>T variant is uncer tain.